The following is an entry in ClinVar:

NM_014425.5(INVS):c.-17C>T

Gene: INVS (inversin; plus strand). Cytogenetic location: 9q31.1.
Variant type: single nucleotide variant.
Coding change: c.-17C>T on transcript NM_014425.5 (MANE Select); 17 bases upstream of the start codon, C replaced by T.
Molecular consequence: 5 prime UTR variant. On other transcripts: non-coding transcript variant (1).
Genome position (GRCh38, 1-based): chr9:100,104,505, C>T. VCF-style: chr9-100104505-C-T. GRCh37 (hg19) VCF-style: chr9-102866787-C-T.
Other names: c.-393C>T (NM_001318381.2); c.-1006C>T (NM_001318382.2).
Identifiers: ClinVar variation 95593 (VCV000095593.10), dbSNP rs181463817, ClinGen allele CA223137.

ClinVar aggregate classification (germline): Conflicting classifications of pathogenicity. Review status: criteria provided, conflicting classifications (1 of 4 stars). 3 submissions from 3 submitters: Uncertain significance (1); Likely benign (2). Last evaluated 2024-10-09.

Conditions:
Infantile nephronophthisis (NPHP2). Also called: Nephronophthisis 2; Nephronophthisis 2, infantile. Identifiers: Orphanet 655, Orphanet 93591, MedGen C1865872, MONDO:0011190, OMIM 602088.

Allele frequency attached by ClinVar (database versions not stated): gnomAD exomes 0.00053; ExAC 0.00068; ESP Exome Variant Server 0.00169; gnomAD 0.00180 and 0.00194; 1000 Genomes Project 0.00200; TOPMed 0.00210; 1000 Genomes Project 30x 0.00234.
gnomAD v4.1: 570 of 1,580,822 alleles (0.036%); highest among the groups gnomAD compares: African/African-American, 0.67%; 1 homozygote.

Submissions (3):

Blueprint Genetics
Classification: Likely benign. Last evaluated: 2024-10-09. Review status: criteria provided, single submitter. Criteria: ACMG Guidelines, 2015. Collection method: clinical testing. Allele origin: germline.

Eurofins Ntd Llc (ga)
Classification: Uncertain significance. Last evaluated: 2018-08-16. Review status: criteria provided, single submitter. Criteria: EGL ClinVar v180209 classification definitions. Collection method: clinical testing. Allele origin: germline. Observed: 2 variant alleles, 2 heterozygotes.

Illumina Laboratory Services, Illumina
Classification: Likely benign for Infantile nephronophthisis. Last evaluated: 2017-04-28. Review status: criteria provided, single submitter. Criteria: ICSL Variant Classification Criteria 13 December 2019. Collection method: clinical testing. Allele origin: germline.
Comment: This variant was observed as part of a predisposition screen in an ostensibly healthy population. A literature search was performed for the gene, cDNA change, and amino acid change (where applicable). No publications were found based on this search. Allele frequency data from public databases allowed determination this variant is unlikely to cause disease. Therefore, this variant is classified as likely benign.